The following is an entry in ClinVar:

ClinVar aggregate classification (germline): Uncertain significance. Review status: criteria provided, single submitter (1 of 4 stars). 2 submissions from 2 submitters: Uncertain significance (1). 1 of the submissions does not count toward it. Last evaluated 2022-08-15.

Conditions:
Usher syndrome type 1 (USH1). Also called: RETINITIS PIGMENTOSA AND CONGENITAL DEAFNESS. Identifiers: Orphanet 231169, Orphanet 886, MedGen C1568247, MONDO:0010168, OMIM 276900.

Submissions (2):

Labcorp Genetics (formerly Invitae), Labcorp
Classification: Uncertain significance. Last evaluated: 2022-08-15. Review status: criteria provided, single submitter. Criteria: Invitae Variant Classification Sherloc (09022015). Collection method: clinical testing. Allele origin: germline.
Comment: ClinVar contains an entry for this variant (Variation ID: 1041682). Algorithms developed to predict the effect of missense changes on protein structure and function are either unavailable or do not agree on the potential impact of this missense change (SIFT: "Deleterious"; PolyPhen-2: "Not Available"; Align-GVGD: "Class C0"). In summary, the available evidence is currently insufficient to determine the role of this variant in disease. Therefore, it has been classified as a Variant of Uncertain Significance. This variant has not been reported in the literature in individuals affected with CDH23-related conditions. This sequence change replaces valine, which is neutral and non-polar, with methionine, which is neutral and non-polar, at codon 1479 of the CDH23 protein (p.Val1479Met). This variant is not present in population databases (gnomAD no frequency).

Natera, Inc.
Classification: Uncertain significance for Usher syndrome type 1. Last evaluated: 2020-08-07. Review status: no assertion criteria provided. Collection method: clinical testing. Allele origin: germline. Not counted in ClinVar's aggregate classification.

NM_022124.6(CDH23):c.4435G>A (p.Val1479Met)

Gene: CDH23 (cadherin related 23; plus strand). Cytogenetic location: 10q22.1.
Variant type: single nucleotide variant.
Coding change: c.4435G>A on transcript NM_022124.6 (MANE Select); coding-DNA position 4435, G replaced by A.
Protein change: p.Val1479Met; replaces valine 1479 with methionine.
Molecular consequence: missense variant.
Genome position (GRCh38, 1-based): chr10:71,739,719, G>A. VCF-style: chr10-71739719-G-A. GRCh37 (hg19) VCF-style: chr10-73499476-G-A.
Other names: short protein forms V1479M.
Identifiers: ClinVar variation 1041682 (VCV001041682.9), dbSNP rs1839682678, ClinGen allele CA377160149.